The following is an entry in ClinVar:

NM_020937.4(FANCM):c.5453C>A (p.Thr1818Asn)

Gene: FANCM (FA complementation group M; plus strand). Cytogenetic location: 14q21.2.
Variant type: single nucleotide variant.
Coding change: c.5453C>A on transcript NM_020937.4 (MANE Select); coding-DNA position 5453, C replaced by A.
Protein change: p.Thr1818Asn; replaces threonine 1818 with asparagine.
Molecular consequence: missense variant.
Genome position (GRCh38, 1-based): chr14:45,196,284, C>A. VCF-style: chr14-45196284-C-A. GRCh37 (hg19) VCF-style: chr14-45665487-C-A.
Other names: c.5375C>A, p.Thr1792Asn (NM_001308133.2); short protein forms T1818N, T1792N.
Identifiers: ClinVar variation 4619492 (VCV004619492.1).
Genomic context (GRCh38, chr14:45,196,284, plus strand): 5'-CAAGACCACATTTAGCTGGGACACATACTTCTCTTAGACTTCCGCAGGAAGGAAAAGGAA[C>A]CTGTATTCTTGTAGGTGGTCATGAAATCACTTCTGGATTAGAAGTAATTTCTTCCCTAAG-3'
Protein context (NP_065988.1, residues 1808-1828): SLRLPQEGKG[Thr1818Asn]CILVGGHEIT

ClinVar aggregate classification (germline): Uncertain significance (1 of 4 stars; one submission).

Conditions:
Inborn genetic diseases. Identifiers: MedGen C0950123, MeSH D030342.

Submission:

Ambry Genetics
Classification: Uncertain significance for Inborn genetic diseases. Last evaluated: 2025-10-16. Review status: criteria provided, single submitter. Criteria: Ambry Variant Classification Scheme 2023. Collection method: clinical testing. Allele origin: germline.
Comment: The p.T1818N variant (also known as c.5453C>A), located in coding exon 21 of the FANCM gene, results from a C to A substitution at nucleotide position 5453. The threonine at codon 1818 is replaced by asparagine, an amino acid with similar properties. This amino acid position is conserved. In addition, this alteration is predicted to be tolerated by in silico analysis. Based on the available evidence, the clinical significance of this variant remains unclear.